The following is an entry in ClinVar:

ClinVar aggregate classification (germline): Conflicting classifications of pathogenicity. Review status: criteria provided, conflicting classifications (1 of 4 stars). 6 submissions from 6 submitters: Uncertain significance (1); Benign (2); Likely benign (3). Last evaluated 2025-09-08.

Conditions:
Tuberous sclerosis 2 (TSC2). Identifiers: Orphanet 805, MedGen C1860707, MONDO:0013199, OMIM 613254.
Hereditary cancer-predisposing syndrome. Also called: Neoplastic Syndromes, Hereditary; Tumor predisposition; Hereditary Cancer Syndrome; Hereditary neoplastic syndrome. Identifiers: Orphanet 140162, MedGen C0027672, MeSH D009386, MONDO:0015356.

Allele frequency attached by ClinVar (database versions not stated): gnomAD exomes below 0.00001.
gnomAD v4.1: 1 of 1,612,992 alleles (0.000062%); highest among the groups gnomAD compares: Non-Finnish European, 0.000085%; no homozygotes.

Submissions (6):

Labcorp Genetics (formerly Invitae), Labcorp
Classification: Likely benign for Tuberous sclerosis 2. Last evaluated: 2025-09-08. Review status: criteria provided, single submitter. Criteria: Invitae Variant Classification Sherloc (09022015). Collection method: clinical testing. Allele origin: germline.

Myriad Genetics, Inc.
Classification: Benign for Tuberous sclerosis 2. Last evaluated: 2025-05-30. Review status: criteria provided, single submitter. Criteria: Myriad Autosomal Dominant, Autosomal Recessive and X-Linked Classification Criteria (2023). Collection method: clinical testing. Allele origin: unknown.
Comment: This variant is considered benign. This variant is a silent/synonymous amino acid change and it is not expected to impact splicing.

Blueprint Genetics
Classification: Likely benign. Last evaluated: 2023-11-23. Review status: criteria provided, single submitter. Criteria: ACMG Guidelines, 2015. Collection method: clinical testing. Allele origin: germline.

GeneDx
Classification: Uncertain significance. Last evaluated: 2023-03-02. Review status: criteria provided, single submitter. Criteria: GeneDx Variant Classification Process June 2021. Collection method: clinical testing. Allele origin: germline. Affected: yes.
Comment: Not observed at significant frequency in large population cohorts (gnomAD); In silico analysis supports that this variant does not alter splicing; Has not been previously published as pathogenic or benign to our knowledge

Genome-Nilou Lab
Classification: Benign for Tuberous sclerosis 2. Last evaluated: 2021-11-07. Review status: criteria provided, single submitter. Criteria: ACMG Guidelines, 2015. Collection method: clinical testing. Allele origin: germline. Affected: no.

Ambry Genetics
Classification: Likely benign for Hereditary cancer-predisposing syndrome. Last evaluated: 2019-02-23. Review status: criteria provided, single submitter. Criteria: Ambry Variant Classification Scheme 2023. Collection method: clinical testing. Allele origin: germline.

NM_000548.5(TSC2):c.3745C>T (p.Leu1249=)

Gene: TSC2 (TSC complex subunit 2; plus strand). Cytogenetic location: 16p13.3.
Variant type: single nucleotide variant.
Coding change: c.3745C>T on transcript NM_000548.5 (MANE Select); coding-DNA position 3745, C replaced by T.
Protein change: p.Leu1249=; no amino-acid change (leucine 1249 retained).
Molecular consequence: synonymous variant.
Genome position (GRCh38, 1-based): chr16:2,081,729, C>T. VCF-style: chr16-2081729-C-T. GRCh37 (hg19) VCF-style: chr16-2131730-C-T.
Other names: c.3613C>T, p.Leu1205= (NM_001077183.3, NM_001370404.1); c.3745C>T, p.Leu1249= (NM_001114382.3); c.3505C>T, p.Leu1169= (NM_001318827.2); c.3469C>T, p.Leu1157= (NM_001318829.2); c.3013C>T, p.Leu1005= (NM_001318831.2); c.3646C>T, p.Leu1216= (NM_001318832.2); c.3616C>T, p.Leu1206= (NM_001363528.2, NM_001370405.1, NM_021055.3).
Identifiers: ClinVar variation 824152 (VCV000824152.17), dbSNP rs1596400436, ClinGen allele CA493043177.